The following is an entry in ClinVar:

ClinVar aggregate classification (germline): Uncertain significance (1 of 4 stars; one submission).

Submission:

Dasa
Classification: Uncertain significance. Last evaluated: 2025-11-10. Review status: criteria provided, single submitter. Criteria: DASA Assertion Criteria. Collection method: clinical testing. Allele origin: germline.
Comment: NM_004380.3(CREBBP):c.6326T>C (p.Val2109Ala) is a missense variant that results in the substitution of valine with alanine. This variant is absent from population databases. The currently available literature and clinical evidence are not sufficient to establish a definitive association between this variant and the reported condition. Therefore, this variant is classified as a variant of uncertain significance.

NM_004380.3(CREBBP):c.6326T>C (p.Val2109Ala)

Gene: CREBBP (CREB binding lysine acetyltransferase; minus strand). Cytogenetic location: 16p13.3.
Variant type: single nucleotide variant.
Coding change: c.6326T>C on transcript NM_004380.3 (MANE Select); coding-DNA position 6326, T replaced by C.
Protein change: p.Val2109Ala; replaces valine 2109 with alanine.
Molecular consequence: missense variant.
Genome position (GRCh38, 1-based): chr16:3,728,721, A>G on the plus strand (T>C on the coding strand, the complement: CREBBP is on the minus strand). VCF-style: chr16-3728721-A-G. GRCh37 (hg19) VCF-style: chr16-3778722-A-G.
Other names: c.6212T>C, p.Val2071Ala (NM_001079846.1); short protein forms V2071A, V2109A.
Identifiers: ClinVar variation 4885942 (VCV004885942.2).